The following is an entry in ClinVar:

NM_153717.3(EVC):c.744del (p.Pro249fs)

Gene: EVC (EvC ciliary complex subunit 1; plus strand). Cytogenetic location: 4p16.2.
Variant type: Deletion.
Coding change: c.744del on transcript NM_153717.3 (MANE Select); coding-DNA position 744, one base deleted (T; older notation c.744delT).
Protein change: p.Pro249fs; shifts the reading frame from proline 249.
Molecular consequence: frameshift variant.
Genome position (GRCh38, 1-based): chr4:5,741,757, T deleted; the last of 2 consecutive T bases (chr4:5,741,756-5,741,757); deleting either gives the same sequence. VCF-style (leftmost placement, unchanged base first): chr4-5741755-CT-C. GRCh37 (hg19) VCF-style: chr4-5743482-CT-C.
Other names: c.744del, p.Pro249fs (NM_001306090.2, NM_001306092.2); short protein forms P249fs.
Identifiers: ClinVar variation 4816944 (VCV004816944.1).
Genomic context (GRCh38, chr4:5,741,755, plus strand): 5'-TCTTTCCTTTCTTGGCAATAGATGTTTATTCAGATTTTTAAAATGTGCCTCCTTGACCTT[CT>C]TCCTAAAAAGAAGTCAGATGATGAACTATACCAGAAGATCCTTTCAAAACAAGAAAAAGT-3'

ClinVar aggregate classification (germline): Likely pathogenic (1 of 4 stars; one submission).

Conditions:
Ellis-van Creveld syndrome (EVC). Also called: Chondroectodermal dysplasia; EVC-Related Ellis-van Creveld Syndrome; EVC2-Related Ellis-van Creveld Syndrome; MESOECTODERMAL DYSPLASIA. Identifiers: Orphanet 289, MedGen C0013903, MONDO:0009162, OMIM 225500.

Submission:

Natera, Inc.
Classification: Likely pathogenic for Ellis-van Creveld syndrome. Last evaluated: 2024-10-01. Review status: criteria provided, single submitter. Criteria: Natera Variant Classification Schema (03/2026). Collection method: clinical testing. Allele origin: germline.
Comment: The c.744delT variant in EVC is a frameshift variant predicted to shift the reading frame beginning at codon 249 and leads to a stop codon 24 codons downstream. This variant is expected to result in nonsense mediated decay, truncation, or a dysfunctional protein product. This variant is rare in the general population with a frequency below the threshold expected for the associated phenotype(s). Given the available evidence, this variant is classified as Likely Pathogenic.